The following is an entry in ClinVar:

NM_001378418.1(TCF20):c.4786C>T (p.Arg1596Ter)

Gene: TCF20 (transcription factor 20; minus strand). Cytogenetic location: 22q13.2.
Variant type: single nucleotide variant.
Coding change: c.4786C>T on transcript NM_001378418.1 (MANE Select); coding-DNA position 4786, C replaced by T.
Protein change: p.Arg1596Ter; replaces arginine 1596 with a stop codon.
Molecular consequence: nonsense.
Genome position (GRCh38, 1-based): chr22:42,210,520, G>A on the plus strand (C>T on the coding strand, the complement: TCF20 is on the minus strand). VCF-style: chr22-42210520-G-A. GRCh37 (hg19) VCF-style: chr22-42606526-G-A.
Other names: c.4786C>T, p.Arg1596Ter (NM_005650.4, NM_181492.3); short protein forms R1596*.
Identifiers: ClinVar variation 599647 (VCV000599647.4), dbSNP rs1569144264, ClinGen allele CA411783344.
Genomic context (GRCh38, chr22:42,210,520, plus strand): 5'-ATTTTAGTTTGATCTCAGGTTCTTGGGGTTCCACAATGGGAACTGCTTGTTTGGTTTTTC[G>A]CTTCCTCGGCTGGGCCCCAGGCTTCCTTCTCTCCCTCCTTTGCCTCTGTTTTTTTGGCTT-3'

ClinVar aggregate classification (germline): Pathogenic. Review status: criteria provided, single submitter (1 of 4 stars). 2 submissions from 1 submitter: Pathogenic (1). 1 of the submissions does not count toward it. Last evaluated 2018-11-14.

Conditions:
Neurodevelopmental abnormality. Identifiers: MedGen C4022737, HP:0012759.

Submissions (2):

GeneDx
Classification: Pathogenic for Neurodevelopmental abnormality. Last evaluated: 2018-11-14. Review status: criteria provided, single submitter. Criteria: GeneDx Variant Classification (06012015). Collection method: clinical testing. Allele origin: de novo. Affected: yes.

GeneDx
Classification: Pathogenic. Last evaluated: 2018-11-14. Review status: flagged submission. Criteria: GeneDx Variant Classification (06012015). Collection method: clinical testing. Allele origin: germline. Affected: yes. Not counted in ClinVar's aggregate classification.
Comment: The R1596X variant in the TCF20 gene has been observed in internal GeneDx whole exome sequencing data in association with developmental delay, speech concerns, neurologic abnormalities, and dysmorphic features. This variant is predicted to cause loss of normal protein function either through protein truncation or nonsense-mediated mRNA decay. The R1596X variant is not observed in large population cohorts (Lek et al., 2016). Therefore, we interpret R1596X as a pathogenic variant.
ClinVar note: Reason: This record appears to be redundant with a more recent record from the same submitter.
ClinVar note: Notes: SCV000890422 appears to be redundant with SCV000854589.